The following is an entry in ClinVar:

ClinVar aggregate classification (germline): Uncertain significance (1 of 4 stars; one submission).

Conditions:
Costello syndrome (CSTLO). Also called: FACIOCUTANEOSKELETAL SYNDROME; FCS SYNDROME; HRAS-Related Costello Syndrome. Identifiers: Orphanet 3071, MedGen C0587248, MONDO:0009026, OMIM 218040.

Submission:

Labcorp Genetics (formerly Invitae), Labcorp
Classification: Uncertain significance for Costello syndrome. Last evaluated: 2023-10-08. Review status: criteria provided, single submitter. Criteria: Invitae Variant Classification Sherloc (09022015). Collection method: clinical testing. Allele origin: germline.
Comment: This sequence change replaces glycine, which is neutral and non-polar, with aspartic acid, which is acidic and polar, at codon 77 of the HRAS protein (p.Gly77Asp). This variant is not present in population databases (gnomAD no frequency). This variant has not been reported in the literature in individuals affected with HRAS-related conditions. ClinVar contains an entry for this variant (Variation ID: 2178513). Advanced modeling of protein sequence and biophysical properties (such as structural, functional, and spatial information, amino acid conservation, physicochemical variation, residue mobility, and thermodynamic stability) performed at Invitae indicates that this missense variant is expected to disrupt HRAS protein function. In summary, the available evidence is currently insufficient to determine the role of this variant in disease. Therefore, it has been classified as a Variant of Uncertain Significance.

NM_005343.4(HRAS):c.230G>A (p.Gly77Asp)

Genes: HRAS (HRas proto-oncogene, GTPase; minus strand), LRRC56 (leucine rich repeat containing 56; plus strand). Cytogenetic location: 11p15.5.
Variant type: single nucleotide variant.
Coding change: c.230G>A on transcript NM_005343.4 (MANE Select); coding-DNA position 230, G replaced by A.
Protein change: p.Gly77Asp; replaces glycine 77 with aspartic acid.
Molecular consequence: missense variant. On other transcripts: 5 prime UTR variant (1).
Genome position (GRCh38, 1-based): chr11:533,826, C>T on the plus strand (G>A on the coding strand, the complement: HRAS is on the minus strand). VCF-style: chr11-533826-C-T. GRCh37 (hg19) VCF-style: chr11-533826-C-T.
Other names: c.230G>A, p.Gly77Asp (NM_001130442.3, NM_176795.5); c.-90G>A (NM_001318054.2); short protein forms G77D.
Identifiers: ClinVar variation 2178513 (VCV002178513.4), dbSNP rs1255434828, ClinGen allele CA378924567.
Genomic context (GRCh38, chr11:533,826, plus strand): 5'-CTGTACTGGTGGATGTCCTCAAAAGACTTGGTGTTGTTGATGGCAAACACACACAGGAAG[C>T]CCTCCCCGGTGCGCATGTACTGGTCCCGCATGGCGCTGTACTCCTCCTGGCCGGCGGTAT-3'
Protein context (NP_005334.1, residues 67-87): MRDQYMRTGE[Gly77Asp]FLCVFAINNT